The following is an entry in ClinVar:

NM_001349253.2(SCN11A):c.102A>G (p.Gln34=)

Gene: SCN11A (sodium voltage-gated channel alpha subunit 11; minus strand). Cytogenetic location: 3p22.2.
Variant type: single nucleotide variant.
Coding change: c.102A>G on transcript NM_001349253.2 (MANE Select); coding-DNA position 102, A replaced by G.
Protein change: p.Gln34=; no amino-acid change (glutamine 34 retained).
Molecular consequence: synonymous variant.
Genome position (GRCh38, 1-based): chr3:38,950,261, T>C on the plus strand (A>G on the coding strand, the complement: SCN11A is on the minus strand). VCF-style: chr3-38950261-T-C. GRCh37 (hg19) VCF-style: chr3-38991752-T-C.
Other names: c.102A>G, p.Gln34= (NM_014139.3).
Identifiers: ClinVar variation 541556 (VCV000541556.11), dbSNP rs778597965, ClinGen allele CA72994572.

ClinVar aggregate classification (germline): Likely benign. Review status: criteria provided, multiple submitters, no conflicts (2 of 4 stars). 3 submissions from 3 submitters: Likely benign (3). Last evaluated 2025-12-30.

Conditions:
Inborn genetic diseases. Identifiers: MedGen C0950123, MeSH D030342.
SCN11A-related disorder. Also called: SCN11A-related condition.
Hereditary sensory and autonomic neuropathy type 7. Also called: Neuropathy, hereditary sensory and autonomic, type VII; HSAN VII. Identifiers: Orphanet 391397, MedGen C3809882, MONDO:0014244, OMIM 615548.
Familial episodic pain syndrome with predominantly lower limb involvement. Also called: Episodic pain syndrome, familial, 3. Identifiers: Orphanet 391384, Orphanet 391392, MedGen C3809899, MONDO:0014247, OMIM 615552.

Allele frequency attached by ClinVar (database versions not stated): gnomAD 0.00002; TOPMed 0.00002; gnomAD exomes 0.00004.
gnomAD v4.1: 66 of 1,613,866 alleles (0.0041%); highest among the groups gnomAD compares: Non-Finnish European, 0.0054%; no homozygotes.

Submissions (3):

PreventionGenetics, part of Exact Sciences
Classification: Likely benign for SCN11A-related condition. Last evaluated: 2025-12-30. Review status: criteria provided, single submitter. Criteria: ACMG Guidelines, 2015. Collection method: clinical testing. Allele origin: germline.
Comment: This variant is classified as likely benign based on ACMG/AMP sequence variant interpretation guidelines (Richards et al. 2015 PMID: 25741868, with internal and published modifications).

Labcorp Genetics (formerly Invitae), Labcorp
Classification: Likely benign for Familial episodic pain syndrome with predominantly lower limb involvement; Hereditary sensory and autonomic neuropathy type 7. Last evaluated: 2024-04-15. Review status: criteria provided, single submitter. Criteria: Invitae Variant Classification Sherloc (09022015). Collection method: clinical testing. Allele origin: germline.

Ambry Genetics
Classification: Likely benign for Inborn genetic diseases. Last evaluated: 2019-07-11. Review status: criteria provided, single submitter. Criteria: Ambry Variant Classification Scheme 2023. Collection method: clinical testing. Allele origin: germline.